The following is an entry in ClinVar:

NM_031443.4(CCM2):c.298C>T (p.Gln100Ter)

Gene: CCM2 (CCM2 scaffold protein; plus strand). Cytogenetic location: 7p13.
Variant type: single nucleotide variant.
Coding change: c.298C>T on transcript NM_031443.4 (MANE Select); coding-DNA position 298, C replaced by T.
Protein change: p.Gln100Ter; replaces glutamine 100 with a stop codon.
Molecular consequence: nonsense. On other transcripts: non-coding transcript variant (1).
Genome position (GRCh38, 1-based): chr7:45,064,472, C>T. VCF-style: chr7-45064472-C-T. GRCh37 (hg19) VCF-style: chr7-45104071-C-T.
Other names: c.361C>T, p.Gln121Ter (NM_001029835.2); c.124C>T, p.Gln42Ter (NM_001167934.2, NM_001363459.2); c.298C>T, p.Gln100Ter (NM_001167935.2, NM_001363458.2); short protein forms Q100*, Q42*, Q121*.
Identifiers: ClinVar variation 1366649 (VCV001366649.6), dbSNP rs1259805013, ClinGen allele CA367429818.
Genomic context (GRCh38, chr7:45,064,472, plus strand): 5'-TGCCGGTTGACAGCTGAGTCTGTATTTCTGATGCCCTGTGGTTCCTTCCAGAGAGCCCAC[C>T]AGCTTCCGGGACACTTGACTCAGGAGCACGATGCTGTGCTCAGCCTGTCTGCGTACAACG-3'

ClinVar aggregate classification (germline): Pathogenic (1 of 4 stars; one submission).

Conditions:
Cerebral cavernous malformation 2. Also called: Familial Cerebral Cavernous Malformation 2. Identifiers: Orphanet 221061, MedGen C1864041, MONDO:0011304, OMIM 603284.

Submission:

Labcorp Genetics (formerly Invitae), Labcorp
Classification: Pathogenic for Cerebral cavernous malformation 2. Last evaluated: 2020-10-27. Review status: criteria provided, single submitter. Criteria: Invitae Variant Classification Sherloc (09022015). Collection method: clinical testing. Allele origin: germline.
Comment: For these reasons, this variant has been classified as Pathogenic. This variant has not been reported in the literature in individuals with CCM2-related conditions. This variant is not present in population databases (ExAC no frequency). This sequence change creates a premature translational stop signal (p.Gln100*) in the CCM2 gene. It is expected to result in an absent or disrupted protein product. Loss-of-function variants in CCM2 are known to be pathogenic (PMID: 18300272, 24689081).

Literature cited by the submitters: PubMed 18300272; PubMed 24689081.